The following is an entry in ClinVar:

NM_001382430.1(AKT1):c.349G>A (p.Glu117Lys)

Gene: AKT1 (AKT serine/threonine kinase 1; minus strand). Cytogenetic location: 14q32.33.
Variant type: single nucleotide variant.
Coding change: c.349G>A on transcript NM_001382430.1 (MANE Select); coding-DNA position 349, G replaced by A.
Protein change: p.Glu117Lys; replaces glutamic acid 117 with lysine.
Molecular consequence: missense variant.
Genome position (GRCh38, 1-based): chr14:104,775,738, C>T on the plus strand (G>A on the coding strand, the complement: AKT1 is on the minus strand). VCF-style: chr14-104775738-C-T. GRCh37 (hg19) VCF-style: chr14-105242075-C-T.
Other names: c.349G>A, p.Glu117Lys (NM_001014431.2, NM_001014432.2, NM_001382431.1 and 3 more transcripts); short protein forms E117K.
Identifiers: ClinVar variation 1035242 (VCV001035242.8), dbSNP rs776345122, ClinGen allele CA7374810.

ClinVar aggregate classification (germline): Uncertain significance (1 of 4 stars; one submission).

Conditions:
Cowden syndrome 6 (CWS6). Identifiers: Orphanet 201, MedGen C3554519, MONDO:0014048, OMIM 615109.

Allele frequency attached by ClinVar (database versions not stated): gnomAD exomes below 0.00001 and 0.00001; ExAC 0.00001.
gnomAD v4.1: 14 of 1,613,304 alleles (0.00087%); highest among the groups gnomAD compares: Non-Finnish European, 0.0011%; no homozygotes.

Submission:

Labcorp Genetics (formerly Invitae), Labcorp
Classification: Uncertain significance for Cowden syndrome 6. Last evaluated: 2020-06-30. Review status: criteria provided, single submitter. Criteria: Invitae Variant Classification Sherloc (09022015). Collection method: clinical testing. Allele origin: germline.
Comment: In summary, the available evidence is currently insufficient to determine the role of this variant in disease. Therefore, it has been classified as a Variant of Uncertain Significance. Algorithms developed to predict the effect of missense changes on protein structure and function (SIFT, PolyPhen-2, Align-GVGD) all suggest that this variant is likely to be tolerated, but these predictions have not been confirmed by published functional studies and their clinical significance is uncertain. This variant is present in population databases (rs776345122, ExAC 0.006%). This sequence change replaces glutamic acid with lysine at codon 117 of the AKT1 protein (p.Glu117Lys). The glutamic acid residue is weakly conserved and there is a small physicochemical difference between glutamic acid and lysine. This variant has not been reported in the literature in individuals with AKT1-related conditions.